The following is an entry in ClinVar:

NM_000289.6(PFKM):c.2093-14A>G

Gene: PFKM (phosphofructokinase, muscle; plus strand). Cytogenetic location: 12q13.11.
Variant type: single nucleotide variant.
Coding change: c.2093-14A>G on transcript NM_000289.6 (MANE Select); 14 bases into the intron before coding-DNA position 2093, A replaced by G.
Molecular consequence: intron variant.
Genome position (GRCh38, 1-based): chr12:48,145,196, A>G. VCF-style: chr12-48145196-A-G. GRCh37 (hg19) VCF-style: chr12-48538979-A-G.
Other names: c.2093-14A>G (NM_001354742.2, NM_001354743.2, NM_001354744.2 and 2 more transcripts); c.1943-14A>G (NM_001354747.2, NM_001354748.2); c.2306-14A>G (NM_001166686.2, NM_001354737.1, NM_001354739.1 and 1 more transcripts); c.2402-14A>G (NM_001354736.1, NM_001354735.1); c.2237-14A>G (NM_001354740.1); c.2006-14A>G (NM_001354745.2); c.1967-14A>G (NM_001354746.2); c.2000-14A>G (NM_001363619.2); and 1 more.
Identifiers: ClinVar variation 255757 (VCV000255757.33), dbSNP rs11168427, ClinGen allele CA6537545.
Genomic context (GRCh38, chr12:48,145,196, plus strand): 5'-TGGGGTGAGAGCGAGTGCCCTCTATAGAGGCTGGTTCCCCAGTATAGAAGCTGACTGCCC[A>G]TCCCTCATTGCAGGGCGGATCTTTGCCAATACTCCAGATTCGGGCTGTGTTCTGGGGATG-3'

ClinVar aggregate classification (germline): Benign. Review status: criteria provided, multiple submitters, no conflicts (2 of 4 stars). 8 submissions from 8 submitters: Benign (7). 1 of the submissions does not count toward it. Last evaluated 2026-02-04.

Conditions:
Glycogen storage disease, type VII (GSD7). Also called: MUSCLE PHOSPHOFRUCTOKINASE DEFICIENCY; PFKM DEFICIENCY; TARUI DISEASE; GSD VII. Identifiers: Orphanet 371, MedGen C0017926, MONDO:0009295, OMIM 232800.

Allele frequency attached by ClinVar (database versions not stated): 1000 Genomes Project 30x 0.14491; 1000 Genomes Project 0.14896; gnomAD 0.16418 and 0.16611; TOPMed 0.16601; ESP Exome Variant Server 0.17192; ExAC 0.17737; gnomAD exomes 0.17848 and 0.20404.
gnomAD v4.1: 323,313 of 1,613,036 alleles (20%); highest among the groups gnomAD compares: East Asian, 23%; 34,064 homozygotes.

Submissions (8):

Labcorp Genetics (formerly Invitae), Labcorp
Classification: Benign for Glycogen storage disease, type VII. Last evaluated: 2026-02-04. Review status: criteria provided, single submitter. Criteria: Invitae Variant Classification Sherloc (09022015). Collection method: clinical testing. Allele origin: germline.

ARUP Laboratories, Molecular Genetics and Genomics, ARUP Laboratories
Classification: Benign for Glycogen storage disease, type VII. Last evaluated: 2025-07-24. Review status: criteria provided, single submitter. Criteria: ARUP Molecular Germline Variant Investigation Process 2024. Collection method: clinical testing. Allele origin: germline.

Pars Genome Lab
Classification: Benign for Glycogen storage disease, type VII. Last evaluated: 2021-07-01. Review status: criteria provided, single submitter. Criteria: ACMG Guidelines, 2015. Collection method: clinical testing. Allele origin: germline. Affected: no.

Illumina Laboratory Services, Illumina
Classification: Benign for Glycogen storage disease, type VII. Last evaluated: 2018-01-13. Review status: criteria provided, single submitter. Criteria: ICSL Variant Classification Criteria 13 December 2019. Collection method: clinical testing. Allele origin: germline.
Comment: This variant was observed in the ICSL laboratory as part of a predisposition screen in an ostensibly healthy population. It had not been previously curated by ICSL or reported in the Human Gene Mutation Database (HGMD: prior to June 1st, 2018), and was therefore a candidate for classification through an automated scoring system. Utilizing variant allele frequency, disease prevalence and penetrance estimates, and inheritance mode, an automated score was calculated to assess if this variant is too frequent to cause the disease. Based on the score and internal cut-off values, a variant classified as benign is not then subjected to further curation. The score for this variant resulted in a classification of benign for this disease.

GeneDx
Classification: Benign. Last evaluated: 2015-12-02. Review status: criteria provided, single submitter. Criteria: GeneDx Variant Classification (06012015). Collection method: clinical testing. Allele origin: germline. Affected: yes.
Comment: This variant is considered likely benign or benign based on one or more of the following criteria: it is a conservative change, it occurs at a poorly conserved position in the protein, it is predicted to be benign by multiple in silico algorithms, and/or has population frequency not consistent with disease.

Breakthrough Genomics
Classification: Benign. Review status: criteria provided, single submitter. Criteria: ACMG Guidelines, 2015. Collection method: not provided. Allele origin: germline. Inheritance: Autosomal recessive inheritance. Affected: yes.

PreventionGenetics, part of Exact Sciences
Classification: Benign. Review status: criteria provided, single submitter. Criteria: ACMG Guidelines, 2015. Collection method: clinical testing. Allele origin: germline.

Mayo Clinic Laboratories, Mayo Clinic
Classification: Benign. Last evaluated: 2015-12-16. Review status: no assertion criteria provided. Collection method: clinical testing. Allele origin: unknown. Not counted in ClinVar's aggregate classification.